The following is an entry in ClinVar:

ClinVar aggregate classification (germline): Pathogenic (1 of 4 stars; one submission).

Conditions:
KDM2A-related neurodevelopmental disorder.

Submission:

Institute of Human Genetics, University of Leipzig Medical Center
Classification: Pathogenic for KDM2A-related neurodevelopmental disorder. Last evaluated: 2025-01-20. Review status: criteria provided, single submitter. Criteria: ACMG Guidelines, 2015. Collection method: research. Allele origin: de novo. Inheritance: Autosomal dominant inheritance. Affected: yes.
Comment: Criteria applied: PVS1, PS2_MOD, PM2

Literature cited by the submitters: DOI 10.1101/2025.03.31.25324695.

NM_012308.3(KDM2A):c.1676dup (p.Ile560fs)

Gene: KDM2A (lysine demethylase 2A; plus strand). Cytogenetic location: 11q13.2.
Variant type: Duplication.
Coding change: c.1676dup on transcript NM_012308.3 (MANE Select); coding-DNA position 1676, one base duplicated (C; older notation c.1676dupC).
Protein change: p.Ile560fs; shifts the reading frame from isoleucine 560.
Molecular consequence: frameshift variant. On other transcripts: non-coding transcript variant (1).
Genome position (GRCh38, 1-based): chr11:67,245,301, C duplicated; the last of 4 consecutive C bases (chr11:67,245,298-67,245,301); duplicating any one gives the same sequence. VCF-style (leftmost placement, unchanged base first): chr11-67245297-T-TC. GRCh37 (hg19) VCF-style: chr11-67012768-T-TC.
Other names: c.359dup, p.Ile121fs (NM_001256405.2); short protein forms I121fs, I560fs.
Identifiers: ClinVar variation 3778799 (VCV003778799.1).